The following is an entry in ClinVar:

ClinVar aggregate classification (germline): Uncertain significance. Review status: criteria provided, multiple submitters, no conflicts (2 of 4 stars). 2 submissions from 2 submitters: Uncertain significance (2). Last evaluated 2024-07-11.

Conditions:
Cataract 41 (CTRCT41). Also called: CATARACT 41, CONGENITAL NUCLEAR TYPE. Identifiers: Orphanet 91492, Orphanet 98991, Orphanet 98992, Orphanet 98995, MedGen C3805412, MONDO:0007287, OMIM 116400.

gnomAD v4.1: 80 of 1,612,694 alleles (0.005%); highest among the groups gnomAD compares: Non-Finnish European, 0.0066%; no homozygotes.

Submissions (2):

Blueprint Genetics
Classification: Uncertain significance. Last evaluated: 2024-07-11. Review status: criteria provided, single submitter. Criteria: ACMG Guidelines, 2015. Collection method: clinical testing. Allele origin: germline.

Victorian Clinical Genetics Services, Murdoch Childrens Research Institute
Classification: Uncertain significance for Cataract 41. Last evaluated: 2021-05-06. Review status: criteria provided, single submitter. Criteria: ACMG Guidelines, 2015. Collection method: clinical testing. Allele origin: germline. Inheritance: Autosomal dominant inheritance.
Comment: Based on the classification scheme VCGS_Germline_v1.3.4, this variant is classified as VUS-3B. Following criteria are met: 0102 - Loss of function is a known mechanism of disease in this gene and is associated with WFS1-related disease, including autosomal recessive Wolfram syndrome 1 (MIM#222300), and a dominant negative mechanism has also been suggested for heterozygous missense variants causing autosomal dominant Wolfram-like syndrome (MIM#614296). (I) 0108 - This gene is associated with both recessive and dominant disease. Wolfram syndrome 1 (MIM#222300) is recessive, whereas Wolfram-like syndrome (MIM#614296) and cataract 41 (MIM#116400) is inherited in a dominant manner (OMIM). (I) 0200 - Variant is predicted to result in a missense amino acid change from asparagine to lysine. (I) 0251 - This variant is heterozygous. (I) 0302 - Variant is present in gnomAD (v2) <0.001 for a condition (2 heterozygotes, 0 homozygotes). (SP) 0502 - Missense variant with conflicting in silico predictions and uninformative conservation. (I) 0604 - Variant is not located in an established domain, motif, hotspot or informative constraint region. However this residue does undergo glycosylation (Uniprot). (I) 0705 - No comparable missense variants have previous evidence for pathogenicity. (I) 0807 - This variant has no previous evidence of pathogenicity. (I) 0905 - No published segregation evidence has been identified for this variant. (I) 1007 - No published functional evidence has been identified for this variant. (I) 1208 - Inheritance information for this variant is not currently available in this individual. (I) Legend: (SP) - Supporting pathogenic, (I) - Information, (SB) - Supporting benign

NM_006005.3(WFS1):c.2238C>A (p.Asn746Lys)

Gene: WFS1 (wolframin ER transmembrane glycoprotein; plus strand). Cytogenetic location: 4p16.1.
Variant type: single nucleotide variant.
Coding change: c.2238C>A on transcript NM_006005.3 (MANE Select); coding-DNA position 2238, C replaced by A.
Protein change: p.Asn746Lys; replaces asparagine 746 with lysine.
Molecular consequence: missense variant.
Genome position (GRCh38, 1-based): chr4:6,302,033, C>A. VCF-style: chr4-6302033-C-A. GRCh37 (hg19) VCF-style: chr4-6303760-C-A.
Other names: c.2238C>A, p.Asn746Lys (NM_001145853.1); short protein forms N746K.
Identifiers: ClinVar variation 3376689 (VCV003376689.2).